The following is an entry in ClinVar:

ClinVar aggregate classification (germline): Uncertain significance (1 of 4 stars; one submission).

Allele frequency attached by ClinVar (database versions not stated): gnomAD exomes below 0.00001; TOPMed below 0.00001.
gnomAD v4.1: 4 of 1,211,329 alleles (0.00033%); highest among the groups gnomAD compares: Non-Finnish European, 0.00045%; no homozygotes.

Submission:

GeneDx
Classification: Uncertain significance. Last evaluated: 2021-03-23. Review status: criteria provided, single submitter. Criteria: GeneDx Variant Classification Process June 2021. Collection method: clinical testing. Allele origin: germline. Affected: yes.
Comment: Not observed at significant frequency in large population cohorts (Lek et al., 2016); In silico analysis supports that this missense variant does not alter protein structure/function; Has not been previously published as pathogenic or benign to our knowledge

NM_031407.7(HUWE1):c.6863G>A (p.Ser2288Asn)

Gene: HUWE1 (HECT, UBA and WWE domain containing E3 ubiquitin protein ligase 1; minus strand). Cytogenetic location: Xp11.22.
Variant type: single nucleotide variant.
Coding change: c.6863G>A on transcript NM_031407.7 (MANE Select); coding-DNA position 6863, G replaced by A.
Protein change: p.Ser2288Asn; replaces serine 2288 with asparagine.
Molecular consequence: missense variant.
Genome position (GRCh38, 1-based): chrX:53,565,084, C>T on the plus strand (G>A on the coding strand, the complement: HUWE1 is on the minus strand). VCF-style: chrX-53565084-C-T. GRCh37 (hg19) VCF-style: chrX-53592045-C-T.
Other names: short protein forms S2288N.
Identifiers: ClinVar variation 1314205 (VCV001314205.2), dbSNP rs2062461596, ClinGen allele CA413162127.